The following is an entry in ClinVar:

ClinVar aggregate classification (germline): Benign. Review status: criteria provided, multiple submitters, no conflicts (2 of 4 stars). 6 submissions from 5 submitters: Benign (3). 3 of the submissions do not count toward it. Last evaluated 2026-01-25.

Conditions:
Vitreoretinopathy. Also called: Vitreoretinal degeneration. Identifiers: MedGen C0344290, MONDO:0020248, HP:0007773.
Wagner disease. Also called: Wagner Vitreoretinal Degeneration (Wagner Synrdome); Wagner syndrome; WAGNER SYNDROME 1; HYALOIDEORETINAL DEGENERATION OF WAGNER; WAGNER VITREORETINAL DEGENERATION; WAGNER VITREORETINOPATHY. Identifiers: Orphanet 898, MedGen C1840452, MONDO:0007740, OMIM 143200.

Allele frequency attached by ClinVar (database versions not stated): ExAC 0.00172; gnomAD 0.00559 and 0.00597; ESP Exome Variant Server 0.00600; TOPMed 0.00600; 1000 Genomes Project 0.00719; 1000 Genomes Project 30x 0.00734.
gnomAD v4.1: 1,557 of 1,613,484 alleles (0.096%); highest among the groups gnomAD compares: African/African-American, 1.9%; 13 homozygotes.

Submissions (6):

Labcorp Genetics (formerly Invitae), Labcorp
Classification: Benign. Last evaluated: 2026-01-25. Review status: criteria provided, single submitter. Criteria: Invitae Variant Classification Sherloc (09022015). Collection method: clinical testing. Allele origin: germline.

Illumina Laboratory Services, Illumina
Classification: Benign for Vitreoretinopathy. Last evaluated: 2018-01-12. Review status: criteria provided, single submitter. Criteria: ICSL Variant Classification Criteria 13 December 2019. Collection method: clinical testing. Allele origin: germline.
Comment: This variant was observed in the ICSL laboratory as part of a predisposition screen in an ostensibly healthy population. It had not been previously curated by ICSL or reported in the Human Gene Mutation Database (HGMD: prior to June 1st, 2018), and was therefore a candidate for classification through an automated scoring system. Utilizing variant allele frequency, disease prevalence and penetrance estimates, and inheritance mode, an automated score was calculated to assess if this variant is too frequent to cause the disease. Based on the score and internal cut-off values, a variant classified as benign is not then subjected to further curation. The score for this variant resulted in a classification of benign for this disease.

Illumina Laboratory Services, Illumina
Classification: Benign for Wagner disease. Last evaluated: 2018-01-12. Review status: criteria provided, single submitter. Criteria: ICSL Variant Classification Criteria 13 December 2019. Collection method: clinical testing. Allele origin: germline.
Comment: the same text as in the submission from Illumina Laboratory Services, Illumina above.

Clinical Genetics DNA and cytogenetics Diagnostics Lab, Erasmus MC, Erasmus Medical Center
Classification: Benign. Review status: no assertion criteria provided. Collection method: clinical testing. Allele origin: germline. Affected: yes. Study: VKGL Data-share Consensus. Not counted in ClinVar's aggregate classification.

Clinical Genetics, Academic Medical Center
Classification: Benign. Review status: no assertion criteria provided. Collection method: clinical testing. Allele origin: germline. Affected: yes. Study: VKGL Data-share Consensus. Not counted in ClinVar's aggregate classification.

Genome Diagnostics Laboratory, Amsterdam University Medical Center
Classification: Benign. Review status: no assertion criteria provided. Collection method: clinical testing. Allele origin: germline. Affected: yes. Study: VKGL Data-share Consensus. Not counted in ClinVar's aggregate classification.

NM_004385.5(VCAN):c.2887C>T (p.Pro963Ser)

Gene: VCAN (versican; plus strand). Cytogenetic location: 5q14.3.
Variant type: single nucleotide variant.
Coding change: c.2887C>T on transcript NM_004385.5 (MANE Select); coding-DNA position 2887, C replaced by T.
Protein change: p.Pro963Ser; replaces proline 963 with serine.
Molecular consequence: missense variant. On other transcripts: intron variant (2).
Genome position (GRCh38, 1-based): chr5:83,521,193, C>T. VCF-style: chr5-83521193-C-T. GRCh37 (hg19) VCF-style: chr5-82817012-C-T.
Other names: c.2887C>T, p.Pro963Ser (NM_001164098.2); c.1042+8797C>T (NM_001164097.2, NM_001126336.3); short protein forms P963S.
Identifiers: ClinVar variation 728947 (VCV000728947.17), dbSNP rs76914270, ClinGen allele CA3332912.